The following is an entry in ClinVar:

NM_000135.4(FANCA):c.3250C>T (p.Arg1084Cys)

Gene: FANCA (FA complementation group A; minus strand). Cytogenetic location: 16q24.3.
Variant type: single nucleotide variant.
Coding change: c.3250C>T on transcript NM_000135.4 (MANE Select); coding-DNA position 3250, C replaced by T.
Protein change: p.Arg1084Cys; replaces arginine 1084 with cysteine.
Molecular consequence: missense variant.
Genome position (GRCh38, 1-based): chr16:89,748,757, G>A on the plus strand (C>T on the coding strand, the complement: FANCA is on the minus strand). VCF-style: chr16-89748757-G-A. GRCh37 (hg19) VCF-style: chr16-89815165-G-A.
Other names: c.3250C>T, p.Arg1084Cys (NM_001286167.3); c.3250C>T (NM_000135.3); short protein forms R1084C.
Identifiers: ClinVar variation 1042803 (VCV001042803.10), dbSNP rs764206631, ClinGen allele CA8251252.

ClinVar aggregate classification (germline): Uncertain significance. Review status: criteria provided, multiple submitters, no conflicts (2 of 4 stars). 4 submissions from 4 submitters: Uncertain significance (3). 1 of the submissions does not count toward it. Last evaluated 2024-06-20.

Conditions:
Fanconi anemia (FA). Also called: Fanconi's anemia. Identifiers: Orphanet 84, MedGen C0015625, MeSH D005199, MONDO:0019391.
Fanconi anemia complementation group A (FANCA). Also called: FANCA-Related Fanconi Anemia; Fanconi anemia, group A. Identifiers: Orphanet 84, MedGen C3469521, MONDO:0009215, OMIM 227650.

Allele frequency attached by ClinVar (database versions not stated): ExAC 0.00001; gnomAD 0.00001; gnomAD exomes 0.00002 and 0.00004; TOPMed 0.00003.
gnomAD v4.1: 60 of 1,613,704 alleles (0.0037%); highest among the groups gnomAD compares: Non-Finnish European, 0.0048%; no homozygotes.

Submissions (4):

Fulgent Genetics
Classification: Uncertain significance for Fanconi anemia complementation group A. Last evaluated: 2024-06-20. Review status: criteria provided, single submitter. Criteria: ACMG Guidelines, 2015. Collection method: clinical testing. Allele origin: germline.

Quest Diagnostics Nichols Institute San Juan Capistrano
Classification: Uncertain significance. Last evaluated: 2023-07-11. Review status: criteria provided, single submitter. Criteria: Quest Diagnostics criteria. Collection method: clinical testing. Allele origin: unknown.
Comment: In the published literature, this variant has been reported in individuals with ovarian cancer (PMID: 32546565 (2021)). The variant has also been reported as a somatic variant in pancreatic cancer (PMID: 30836094 (2019), melanoma (PMID: 30050716 (2018)), colorectal cancer (PMID: 32799124 (2020)), and breast cancer (PMID: 32903519 (2020)). The frequency of this variant in the general population, 0.000065 (5/ 113288 chromosomes (Genome Aggregation Database)), is uninformative in the assessment of its pathogenicity. Analysis of this variant using bioinformatics tools for the prediction of the effect of amino acid changes on protein structure and function yielded predictions that this variant is benign. Based on the available information, we are unable to determine the clinical significance of this variant.

Labcorp Genetics (formerly Invitae), Labcorp
Classification: Uncertain significance for Fanconi anemia. Last evaluated: 2021-08-26. Review status: criteria provided, single submitter. Criteria: Invitae Variant Classification Sherloc (09022015). Collection method: clinical testing. Allele origin: germline.
Comment: This sequence change replaces arginine with cysteine at codon 1084 of the FANCA protein (p.Arg1084Cys). The arginine residue is weakly conserved and there is a large physicochemical difference between arginine and cysteine. This variant is present in population databases (rs764206631, ExAC 0.002%). This variant has not been reported in the literature in individuals affected with FANCA-related conditions. Algorithms developed to predict the effect of missense changes on protein structure and function output the following: SIFT: "Tolerated"; PolyPhen-2: "Possibly Damaging"; Align-GVGD: "Class C0". The cysteine amino acid residue is found in multiple mammalian species, which suggests that this missense change does not adversely affect protein function. In summary, the available evidence is currently insufficient to determine the role of this variant in disease. Therefore, it has been classified as a Variant of Uncertain Significance.

Natera, Inc.
Classification: Uncertain significance for Fanconi anemia. Last evaluated: 2020-01-13. Review status: no assertion criteria provided. Collection method: clinical testing. Allele origin: germline. Not counted in ClinVar's aggregate classification.

Literature cited by the submitters: PubMed 32546565 (cited by Quest Diagnostics Nichols Institute San Juan Capistrano); PubMed 30836094 (cited by Quest Diagnostics Nichols Institute San Juan Capistrano); PubMed 32903519 (cited by Quest Diagnostics Nichols Institute San Juan Capistrano); PubMed 33556149 (cited by Quest Diagnostics Nichols Institute San Juan Capistrano); PubMed 32799124 (cited by Quest Diagnostics Nichols Institute San Juan Capistrano); PubMed 26110843 (cited by Quest Diagnostics Nichols Institute San Juan Capistrano); PubMed 30050716 (cited by Quest Diagnostics Nichols Institute San Juan Capistrano).